The following is an entry in ClinVar:

ClinVar aggregate classification (germline): Likely benign (1 of 4 stars; one submission).

Allele frequency attached by ClinVar (database versions not stated): gnomAD 0.00001; gnomAD exomes 0.00001.
gnomAD v4.1: 9 of 1,209,609 alleles (0.00074%); highest among the groups gnomAD compares: Non-Finnish European, 0.00089%; no homozygotes.

Submission:

CeGaT Center for Human Genetics Tuebingen
Classification: Likely benign. Last evaluated: 2022-08-01. Review status: criteria provided, single submitter. Criteria: CeGaT Center For Human Genetics Tuebingen Variant Classification Criteria Version 2. Collection method: clinical testing. Allele origin: germline. Affected: yes. Observed: 1 variant allele.
Comment: ZNF674: BP4, BP7

NM_001190417.2(ZNF674):c.297G>T (p.Leu99=)

Gene: ZNF674 (zinc finger protein 674; minus strand). Cytogenetic location: Xp11.3.
Variant type: single nucleotide variant.
Coding change: c.297G>T on transcript NM_001190417.2 (MANE Select); coding-DNA position 297, G replaced by T.
Protein change: p.Leu99=; no amino-acid change (leucine 99 retained).
Molecular consequence: synonymous variant.
Genome position (GRCh38, 1-based): chrX:46,501,277, C>A on the plus strand (G>T on the coding strand, the complement: ZNF674 is on the minus strand). VCF-style: chrX-46501277-C-A. GRCh37 (hg19) VCF-style: chrX-46360712-C-A.
Other names: c.312G>T, p.Leu104= (NM_001039891.3); c.294G>T, p.Leu98= (NM_001146291.2).
Identifiers: ClinVar variation 2660381 (VCV002660381.24), dbSNP rs1343579961, ClinGen allele CA516369477.